The following is an entry in ClinVar:

ClinVar aggregate classification (germline): Uncertain significance (1 of 4 stars; one submission).

Conditions:
Osteogenesis imperfecta type 8 (OI8). Identifiers: MedGen C1970458, MONDO:0012581, OMIM 610915.

Allele frequency attached by ClinVar (database versions not stated): TOPMed below 0.00001.
gnomAD v4.1: 2 of 1,613,998 alleles (0.00012%); highest among the groups gnomAD compares: Non-Finnish European, 0.00017%; no homozygotes.

Submission:

Labcorp Genetics (formerly Invitae), Labcorp
Classification: Uncertain significance for Osteogenesis imperfecta type 8. Last evaluated: 2021-08-27. Review status: criteria provided, single submitter. Criteria: Invitae Variant Classification Sherloc (09022015). Collection method: clinical testing. Allele origin: germline.
Comment: This sequence change replaces isoleucine with valine at codon 156 of the P3H1 protein (p.Ile156Val). The isoleucine residue is highly conserved and there is a small physicochemical difference between isoleucine and valine. This variant is present in population databases (rs751518628, ExAC 0.001%). This variant has not been reported in the literature in individuals affected with P3H1-related conditions. Algorithms developed to predict the effect of missense changes on protein structure and function (SIFT, PolyPhen-2, Align-GVGD) all suggest that this variant is likely to be tolerated. Algorithms developed to predict the effect of sequence changes on RNA splicing suggest that this variant is not likely to affect RNA splicing. In summary, the available evidence is currently insufficient to determine the role of this variant in disease. Therefore, it has been classified as a Variant of Uncertain Significance.

NM_022356.4(P3H1):c.466A>G (p.Ile156Val)

Gene: P3H1 (prolyl 3-hydroxylase 1; minus strand). Cytogenetic location: 1p34.2.
Variant type: single nucleotide variant.
Coding change: c.466A>G on transcript NM_022356.4 (MANE Select); coding-DNA position 466, A replaced by G.
Protein change: p.Ile156Val; replaces isoleucine 156 with valine.
Molecular consequence: missense variant.
Genome position (GRCh38, 1-based): chr1:42,762,475, T>C on the plus strand (A>G on the coding strand, the complement: P3H1 is on the minus strand). VCF-style: chr1-42762475-T-C. GRCh37 (hg19) VCF-style: chr1-43228146-T-C.
Other names: c.466A>G, p.Ile156Val (NM_001146289.2, NM_001243246.2); short protein forms I156V.
Identifiers: ClinVar variation 639464 (VCV000639464.6), dbSNP rs751518628, ClinGen allele CA802163.